The following is an entry in ClinVar:

ClinVar aggregate classification (germline): Uncertain significance (1 of 4 stars; one submission).

Conditions:
Glycine encephalopathy. Also called: Nonketotic hyperglycinemia; Non-ketotic hyperglycinemia. Identifiers: Orphanet 407, MedGen C0751748, MONDO:0011612, HP:0008288.

Submission:

Labcorp Genetics (formerly Invitae), Labcorp
Classification: Uncertain significance for Glycine encephalopathy. Last evaluated: 2021-10-23. Review status: criteria provided, single submitter. Criteria: Invitae Variant Classification Sherloc (09022015). Collection method: clinical testing. Allele origin: germline.
Comment: This variant is not present in population databases (gnomAD no frequency). This sequence change replaces serine, which is neutral and polar, with isoleucine, which is neutral and non-polar, at codon 334 of the AMT protein (p.Ser334Ile). This variant has not been reported in the literature in individuals affected with AMT-related conditions. In summary, the available evidence is currently insufficient to determine the role of this variant in disease. Therefore, it has been classified as a Variant of Uncertain Significance. Advanced modeling of protein sequence and biophysical properties (such as structural, functional, and spatial information, amino acid conservation, physicochemical variation, residue mobility, and thermodynamic stability) performed at Invitae indicates that this missense variant is not expected to disrupt AMT protein function.

NM_000481.4(AMT):c.1001G>T (p.Ser334Ile)

Gene: AMT (aminomethyltransferase; minus strand). Cytogenetic location: 3p21.31.
Variant type: single nucleotide variant.
Coding change: c.1001G>T on transcript NM_000481.4 (MANE Select); coding-DNA position 1001, G replaced by T.
Protein change: p.Ser334Ile; replaces serine 334 with isoleucine.
Molecular consequence: missense variant. On other transcripts: non-coding transcript variant (1).
Genome position (GRCh38, 1-based): chr3:49,417,850, C>A on the plus strand (G>T on the coding strand, the complement: AMT is on the minus strand). VCF-style: chr3-49417850-C-A. GRCh37 (hg19) VCF-style: chr3-49455283-C-A.
Other names: c.869G>T, p.Ser290Ile (NM_001164710.2); c.833G>T, p.Ser278Ile (NM_001164711.2); c.1001G>T, p.Ser334Ile (NM_001164712.2); short protein forms S278I, S290I, S334I.
Identifiers: ClinVar variation 1388845 (VCV001388845.6), dbSNP rs2107929053, ClinGen allele CA352789390.